The following is an entry in ClinVar:

ClinVar aggregate classification (germline): Uncertain significance. Review status: criteria provided, multiple submitters, no conflicts (2 of 4 stars). 2 submissions from 2 submitters: Uncertain significance (2). Last evaluated 2024-06-24.

Conditions:
Hereditary nonpolyposis colorectal neoplasms. Identifiers: MedGen C0009405, MeSH D003123.
Hereditary cancer-predisposing syndrome. Also called: Hereditary neoplastic syndrome; Hereditary Cancer Syndrome; Neoplastic Syndromes, Hereditary; Tumor predisposition. Identifiers: Orphanet 140162, MedGen C0027672, MeSH D009386, MONDO:0015356.

Submissions (2):

Ambry Genetics
Classification: Uncertain significance for Hereditary cancer-predisposing syndrome. Last evaluated: 2024-06-24. Review status: criteria provided, single submitter. Criteria: Ambry Variant Classification Scheme 2023. Collection method: clinical testing. Allele origin: germline.
Comment: The p.C964Y variant (also known as c.2891G>A), located in coding exon 4 of the MSH6 gene, results from a G to A substitution at nucleotide position 2891. The cysteine at codon 964 is replaced by tyrosine, an amino acid with highly dissimilar properties. This amino acid position is well conserved in available vertebrate species. In addition, this alteration is predicted to be deleterious by in silico analysis. Based on the available evidence, the clinical significance of this variant remains unclear.

Labcorp Genetics (formerly Invitae), Labcorp
Classification: Uncertain significance for Hereditary nonpolyposis colorectal neoplasms. Last evaluated: 2020-12-03. Review status: criteria provided, single submitter. Criteria: Invitae Variant Classification Sherloc (09022015). Collection method: clinical testing. Allele origin: germline.
Comment: In summary, the available evidence is currently insufficient to determine the role of this variant in disease. Therefore, it has been classified as a Variant of Uncertain Significance. Advanced modeling of protein sequence and biophysical properties (such as structural, functional, and spatial information, amino acid conservation, physicochemical variation, residue mobility, and thermodynamic stability) performed at Invitae indicates that this missense variant is expected to disrupt MSH6 protein function. This variant has been observed in individual(s) with breast cancer (PMID: 29263802). This variant is not present in population databases (ExAC no frequency). This sequence change replaces cysteine with tyrosine at codon 964 of the MSH6 protein (p.Cys964Tyr). The cysteine residue is highly conserved and there is a large physicochemical difference between cysteine and tyrosine.

Literature cited by the submitters: PubMed 29263802 (cited by Labcorp Genetics (formerly Invitae), Labcorp).

NM_000179.3(MSH6):c.2891G>A (p.Cys964Tyr)

Gene: MSH6 (mutS homolog 6; plus strand). Cytogenetic location: 2p16.3.
Variant type: single nucleotide variant.
Coding change: c.2891G>A on transcript NM_000179.3 (MANE Select); coding-DNA position 2891, G replaced by A.
Protein change: p.Cys964Tyr; replaces cysteine 964 with tyrosine.
Molecular consequence: missense variant.
Genome position (GRCh38, 1-based): chr2:47,800,874, G>A. VCF-style: chr2-47800874-G-A. GRCh37 (hg19) VCF-style: chr2-48028013-G-A.
Other names: c.2501G>A, p.Cys834Tyr (NM_001281492.2); c.1985G>A, p.Cys662Tyr (NM_001281493.2, NM_001281494.2); c.2891G>A (NM_000179.2); short protein forms C834Y, C662Y, C964Y.
Identifiers: ClinVar variation 1403591 (VCV001403591.9), dbSNP rs2104429020, ClinGen allele CA346756067.